The following is an entry in ClinVar:

NM_020975.6(RET):c.564C>A (p.Phe188Leu)

Gene: RET (ret proto-oncogene; plus strand). Cytogenetic location: 10q11.21.
Variant type: single nucleotide variant.
Coding change: c.564C>A on transcript NM_020975.6 (MANE Select); coding-DNA position 564, C replaced by A.
Protein change: p.Phe188Leu; replaces phenylalanine 188 with leucine.
Molecular consequence: missense variant.
Genome position (GRCh38, 1-based): chr10:43,102,568, C>A. VCF-style: chr10-43102568-C-A. GRCh37 (hg19) VCF-style: chr10-43598016-C-A.
Other names: c.564C>A, p.Phe188Leu (NM_000323.2, NM_001406743.1, NM_001406744.1 and 16 more transcripts); c.435C>A, p.Phe145Leu (NM_001406761.1, NM_001406762.1, NM_001406764.1 and 4 more transcripts); short protein forms F145L, F188L.
Identifiers: ClinVar variation 1748837 (VCV001748837.8), dbSNP rs2492163614, ClinGen allele CA376543507.
Genomic context (GRCh38, chr10:43,102,568, plus strand): 5'-AGAGACAAGGCCCTCCTTCCGCATTCGGGAGAACCGACCCCCAGGCACCTTCCACCAGTT[C>A]CGCCTGCTGCCTGTGCAGTTCTTGTGCCCCAACATCAGCGTGGCCTACAGGCTCCTGGAG-3'
Protein context (NP_066124.1, residues 178-198): ENRPPGTFHQ[Phe188Leu]RLLPVQFLCP

ClinVar aggregate classification (germline): Conflicting classifications of pathogenicity. Review status: criteria provided, conflicting classifications (1 of 4 stars). 3 submissions from 3 submitters: Uncertain significance (2); Likely benign (1). Last evaluated 2026-08-14.

Conditions:
Hereditary cancer-predisposing syndrome. Also called: Hereditary Cancer Syndrome; Hereditary neoplastic syndrome; Neoplastic Syndromes, Hereditary; Tumor predisposition. Identifiers: Orphanet 140162, MedGen C0027672, MeSH D009386, MONDO:0015356.
Multiple endocrine neoplasia, type 2 (MEN2). Identifiers: Orphanet 653, MedGen C4048306, MONDO:0019003. Disease mechanism: gain of function.
Hirschsprung disease, susceptibility to, 1 (HSCR1). Also called: RET-Related Hirschsprung Disease. Identifiers: Orphanet 388, MedGen C3888239, MONDO:0007723, OMIM 142623.

Submissions (3):

Ambry Genetics
Classification: Likely benign for Hereditary cancer-predisposing syndrome. Last evaluated: 2026-08-14. Review status: criteria provided, single submitter. Criteria: Ambry Variant Classification Scheme 2023. Collection method: clinical testing. Allele origin: germline.

Labcorp Genetics (formerly Invitae), Labcorp
Classification: Uncertain significance for Multiple endocrine neoplasia, type 2. Last evaluated: 2025-07-16. Review status: criteria provided, single submitter. Criteria: Invitae Variant Classification Sherloc (09022015). Collection method: clinical testing. Allele origin: germline.
Comment: This sequence change replaces phenylalanine, which is neutral and non-polar, with leucine, which is neutral and non-polar, at codon 188 of the RET protein (p.Phe188Leu). This variant is not present in population databases (gnomAD no frequency). This variant has not been reported in the literature in individuals affected with RET-related conditions. ClinVar contains an entry for this variant (Variation ID: 1748837). An algorithm developed to predict the effect of missense changes on protein structure and function (PolyPhen-2) suggests that this variant is likely to be tolerated. In summary, the available evidence is currently insufficient to determine the role of this variant in disease. Therefore, it has been classified as a Variant of Uncertain Significance.

Baylor Genetics
Classification: Uncertain significance for Hirschsprung disease, susceptibility to, 1. Last evaluated: 2023-10-20. Review status: criteria provided, single submitter. Criteria: ACMG Guidelines, 2015. Collection method: clinical testing. Allele origin: unknown.